The following is an entry in ClinVar:

ClinVar aggregate classification (germline): Uncertain significance (1 of 4 stars; one submission).

Conditions:
Hereditary cancer-predisposing syndrome. Also called: Neoplastic Syndromes, Hereditary; Tumor predisposition; Hereditary neoplastic syndrome; Hereditary Cancer Syndrome. Identifiers: Orphanet 140162, MedGen C0027672, MeSH D009386, MONDO:0015356.

Submission:

Ambry Genetics
Classification: Uncertain significance for Hereditary cancer-predisposing syndrome. Last evaluated: 2019-06-28. Review status: criteria provided, single submitter. Criteria: Ambry Variant Classification Scheme 2023. Collection method: clinical testing. Allele origin: germline.
Comment: The p.A140V variant (also known as c.419C>T), located in coding exon 6 of the BAP1 gene, results from a C to T substitution at nucleotide position 419. The alanine at codon 140 is replaced by valine, an amino acid with similar properties. This amino acid position is highly conserved in available vertebrate species. In addition, the in silico prediction for this alteration is inconclusive. Since supporting evidence is limited at this time, the clinical significance of this alteration remains unclear.

NM_004656.4(BAP1):c.419C>T (p.Ala140Val)

Gene: BAP1 (BRCA1 associated deubiquitinase 1; minus strand). Cytogenetic location: 3p21.1.
Variant type: single nucleotide variant.
Coding change: c.419C>T on transcript NM_004656.4 (MANE Select); coding-DNA position 419, C replaced by T.
Protein change: p.Ala140Val; replaces alanine 140 with valine.
Molecular consequence: missense variant.
Genome position (GRCh38, 1-based): chr3:52,407,417, G>A on the plus strand (C>T on the coding strand, the complement: BAP1 is on the minus strand). VCF-style: chr3-52407417-G-A. GRCh37 (hg19) VCF-style: chr3-52441433-G-A.
Other names: short protein forms A140V.
Identifiers: ClinVar variation 824664 (VCV000824664.4), dbSNP rs1578226781, ClinGen allele CA353110805.
Genomic context (GRCh38, chr3:52,407,417, plus strand): 5'-CCCTACTCCCACCCCACATCAGCTCCCACAGCTCCCACACACCTGGCATGGCTATTATGG[G>A]CCTTGGCCAACTCCGGGGCATTGCCAATCGCATATCCTTTGCTCTACGGGGAAGAAAATA-3'
Protein context (NP_004647.1, residues 130-150): AIGNAPELAK[Ala140Val]HNSHARPEPR